The following is an entry in ClinVar:

ClinVar aggregate classification (germline): Uncertain significance. Review status: criteria provided, multiple submitters, no conflicts (2 of 4 stars). 2 submissions from 2 submitters: Uncertain significance (2). Last evaluated 2024-11-19.

Conditions:
Inborn genetic diseases. Identifiers: MedGen C0950123, MeSH D030342.

gnomAD v4.1: 10 of 1,612,872 alleles (0.00062%); highest among the groups gnomAD compares: African/African-American, 0.013%; no homozygotes.

Submissions (2):

Labcorp Genetics (formerly Invitae), Labcorp
Classification: Uncertain significance. Last evaluated: 2024-11-19. Review status: criteria provided, single submitter. Criteria: Invitae Variant Classification Sherloc (09022015). Collection method: clinical testing. Allele origin: germline.
Comment: This sequence change replaces asparagine, which is neutral and polar, with lysine, which is basic and polar, at codon 323 of the DHX37 protein (p.Asn323Lys). This variant is present in population databases (rs764649813, gnomAD 0.03%). This variant has not been reported in the literature in individuals affected with DHX37-related conditions. Invitae Evidence Modeling of protein sequence and biophysical properties (such as structural, functional, and spatial information, amino acid conservation, physicochemical variation, residue mobility, and thermodynamic stability) indicates that this missense variant is expected to disrupt DHX37 protein function with a positive predictive value of 80%. In summary, the available evidence is currently insufficient to determine the role of this variant in disease. Therefore, it has been classified as a Variant of Uncertain Significance.

Ambry Genetics
Classification: Uncertain significance for Inborn genetic diseases. Last evaluated: 2024-10-08. Review status: criteria provided, single submitter. Criteria: Ambry Variant Classification Scheme 2023. Collection method: clinical testing. Allele origin: germline.

NM_032656.4(DHX37):c.969T>A (p.Asn323Lys)

Gene: DHX37 (DEAH-box helicase 37; minus strand). Cytogenetic location: 12q24.31.
Variant type: single nucleotide variant.
Coding change: c.969T>A on transcript NM_032656.4 (MANE Select); coding-DNA position 969, T replaced by A.
Protein change: p.Asn323Lys; replaces asparagine 323 with lysine.
Molecular consequence: missense variant.
Genome position (GRCh38, 1-based): chr12:124,975,430, A>T on the plus strand (T>A on the coding strand, the complement: DHX37 is on the minus strand). VCF-style: chr12-124975430-A-T. GRCh37 (hg19) VCF-style: chr12-125459976-A-T.
Other names: short protein forms N323K.
Identifiers: ClinVar variation 3501681 (VCV003501681.3).
Genomic context (GRCh38, chr12:124,975,430, plus strand): 5'-AGGCCACAGGACCACCCCATAGTCCGCCCCAGGGAAGTAGAGCCCTCACCGCTGGGACAG[A>T]TTCATCTCCTTGGCCACTCGCTGGGACATGGCCACGGCGGCCACTCGGCGGGGCTCCGTG-3'
Protein context (NP_116045.2, residues 313-333): AMSQRVAKEM[Asn323Lys]LSQRVVSYQI